The following is an entry in ClinVar:

ClinVar aggregate classification (germline): Benign. Review status: criteria provided, multiple submitters, no conflicts (2 of 4 stars). 20 submissions from 18 submitters: Benign (15). 5 of the submissions do not count toward it. Last evaluated 2026-02-04.

Conditions:
Cardiovascular phenotype. Identifiers: MedGen CN230736.
Desmin-related myofibrillar myopathy (MFM1). Also called: MYOFIBRILLAR MYOPATHY WITH ARRHYTHMOGENIC RIGHT VENTRICULAR CARDIOMYOPATHY; DESMIN-RELATED MYOPATHY WITH ARRHYTHMOGENIC RIGHT VENTRICULAR CARDIOMYOPATHY; Myofibrillar myopathy 1; Desmin related myopathy (former name); Desmin storage myopathy (former name); Desminopathy. Identifiers: Orphanet 363543, Orphanet 98909, MedGen C1832370, MONDO:0011076, OMIM 601419.
Dilated cardiomyopathy 1I (CMD1I). Identifiers: Orphanet 154, MedGen C1858154, MONDO:0011482, OMIM 604765.
Neurogenic scapuloperoneal syndrome, Kaeser type (SCPNK). Also called: KAESER SYNDROME. Identifiers: Orphanet 85146, MedGen C1867005, MONDO:0008407, OMIM 181400.

Allele frequency attached by ClinVar (database versions not stated): gnomAD exomes 0.33172; 1000 Genomes Project 0.33766; ExAC 0.34141; 1000 Genomes Project 30x 0.34260; gnomAD 0.36455 and 0.37027; TOPMed 0.37715; ESP Exome Variant Server 0.38659.
gnomAD v4.1: 554,883 of 1,612,460 alleles (34%); highest among the groups gnomAD compares: African/African-American, 45%; 97,380 homozygotes.

Submissions (20):

Labcorp Genetics (formerly Invitae), Labcorp
Classification: Benign for Desmin-related myofibrillar myopathy. Last evaluated: 2026-02-04. Review status: criteria provided, single submitter. Criteria: Invitae Variant Classification Sherloc (09022015). Collection method: clinical testing. Allele origin: germline.

Molecular Diagnostic Laboratory for Inherited Cardiovascular Disease, Montreal Heart Institute
Classification: Benign. Last evaluated: 2025-04-09. Review status: criteria provided, single submitter. Criteria: ACMG Guidelines, 2015. Collection method: clinical testing. Allele origin: germline. Affected: no.

Blueprint Genetics
Classification: Benign. Last evaluated: 2024-11-26. Review status: criteria provided, single submitter. Criteria: ACMG Guidelines, 2015. Collection method: clinical testing. Allele origin: germline.

Illumina Laboratory Services, Illumina
Classification: Benign for Dilated cardiomyopathy 1I. Last evaluated: 2018-01-13. Review status: criteria provided, single submitter. Criteria: ICSL Variant Classification Criteria 13 December 2019. Collection method: clinical testing. Allele origin: germline.
Comment: This variant was observed in the ICSL laboratory as part of a predisposition screen in an ostensibly healthy population. It had not been previously curated by ICSL or reported in the Human Gene Mutation Database (HGMD: prior to June 1st, 2018), and was therefore a candidate for classification through an automated scoring system. Utilizing variant allele frequency, disease prevalence and penetrance estimates, and inheritance mode, an automated score was calculated to assess if this variant is too frequent to cause the disease. Based on the score and internal cut-off values, a variant classified as benign is not then subjected to further curation. The score for this variant resulted in a classification of benign for this disease.

Illumina Laboratory Services, Illumina
Classification: Benign for Myofibrillar myopathy 1. Last evaluated: 2018-01-13. Review status: criteria provided, single submitter. Criteria: ICSL Variant Classification Criteria 13 December 2019. Collection method: clinical testing. Allele origin: germline.
Comment: the same text as in the submission from Illumina Laboratory Services, Illumina above.

Illumina Laboratory Services, Illumina
Classification: Benign for Neurogenic scapuloperoneal syndrome, Kaeser type. Last evaluated: 2018-01-13. Review status: criteria provided, single submitter. Criteria: ICSL Variant Classification Criteria 13 December 2019. Collection method: clinical testing. Allele origin: germline.
Comment: the same text as in the submission from Illumina Laboratory Services, Illumina above.

Mayo Clinic Laboratories, Mayo Clinic
Classification: Benign. Last evaluated: 2017-07-21. Review status: criteria provided, single submitter. Criteria: ACMG Guidelines, 2015. Collection method: clinical testing. Allele origin: germline. Observed: 1,421 variant alleles.

Athena Diagnostics
Classification: Benign. Last evaluated: 2017-07-12. Review status: criteria provided, single submitter. Criteria: Athena Diagnostics Criteria. Collection method: clinical testing. Allele origin: germline.

Ambry Genetics
Classification: Benign for Cardiovascular phenotype. Last evaluated: 2015-06-18. Review status: criteria provided, single submitter. Criteria: Ambry Variant Classification Scheme 2023. Collection method: clinical testing. Allele origin: germline.

GeneDx
Classification: Benign. Last evaluated: 2015-03-03. Review status: criteria provided, single submitter. Criteria: GeneDx Variant Classification Process June 2021. Collection method: clinical testing. Allele origin: germline. Affected: yes.

Genetic Services Laboratory, University of Chicago
Classification: Benign for AllHighlyPenetrant. Last evaluated: 2013-08-15. Review status: criteria provided, single submitter. Criteria: ACMG Guidelines, 2007. Collection method: clinical testing. Allele origin: germline. Inheritance: Autosomal dominant inheritance.

Eurofins Ntd Llc (ga)
Classification: Benign. Last evaluated: 2013-03-12. Review status: criteria provided, single submitter. Criteria: EGL Classification Definitions 2015. Collection method: clinical testing. Allele origin: germline. Observed: 7 variant alleles, 6 heterozygotes, 1 homozygote.

Laboratory for Molecular Medicine, Mass General Brigham Personalized Medicine
Classification: Benign. Last evaluated: 2008-02-15. Review status: criteria provided, single submitter. Criteria: LMM Criteria. Collection method: clinical testing. Allele origin: germline. Observed: 1,513 variant alleles.

Breakthrough Genomics
Classification: Benign. Review status: criteria provided, single submitter. Criteria: ACMG Guidelines, 2015. Collection method: not provided. Allele origin: germline. Inheritance: Autosomal recessive inheritance. Affected: yes.

PreventionGenetics, part of Exact Sciences
Classification: Benign. Review status: criteria provided, single submitter. Criteria: ACMG Guidelines, 2015. Collection method: clinical testing. Allele origin: germline.

Clinical Genetics DNA and cytogenetics Diagnostics Lab, Erasmus MC, Erasmus Medical Center
Classification: Benign. Review status: no assertion criteria provided. Collection method: clinical testing. Allele origin: germline. Affected: yes. Study: VKGL Data-share Consensus. Not counted in ClinVar's aggregate classification.

Clinical Genetics, Academic Medical Center
Classification: Benign. Review status: no assertion criteria provided. Collection method: clinical testing. Allele origin: germline. Affected: yes. Study: VKGL Data-share Consensus. Not counted in ClinVar's aggregate classification.

Diagnostic Laboratory, Department of Genetics, University Medical Center Groningen
Classification: Benign. Review status: no assertion criteria provided. Collection method: clinical testing. Allele origin: germline. Affected: yes. Study: VKGL Data-share Consensus. Not counted in ClinVar's aggregate classification.

Genome Diagnostics Laboratory, University Medical Center Utrecht
Classification: Benign. Review status: no assertion criteria provided. Collection method: clinical testing. Allele origin: germline. Affected: yes. Study: VKGL Data-share Consensus. Not counted in ClinVar's aggregate classification.

Joint Genome Diagnostic Labs from Nijmegen and Maastricht, Radboudumc and MUMC+
Classification: Benign. Review status: no assertion criteria provided. Collection method: clinical testing. Allele origin: germline. Affected: yes. Study: VKGL Data-share Consensus. Not counted in ClinVar's aggregate classification.

NM_001927.4(DES):c.1014G>C (p.Leu338=)

Gene: DES (desmin; plus strand). Cytogenetic location: 2q35.
Variant type: single nucleotide variant.
Coding change: c.1014G>C on transcript NM_001927.4 (MANE Select); coding-DNA position 1014, G replaced by C.
Protein change: p.Leu338=; no amino-acid change (leucine 338 retained).
Molecular consequence: synonymous variant.
Genome position (GRCh38, 1-based): chr2:219,420,944, G>C. VCF-style: chr2-219420944-G-C. GRCh37 (hg19) VCF-style: chr2-220285666-G-C.
Other names: p.Leu338=.
Identifiers: ClinVar variation 44242 (VCV000044242.43), dbSNP rs12920, ClinGen allele CA133802.